The following is an entry in ClinVar:

NM_000130.5(F5):c.4465C>T (p.Gln1489Ter)

Gene: F5 (coagulation factor V; minus strand). Cytogenetic location: 1q24.2.
Variant type: single nucleotide variant.
Coding change: c.4465C>T on transcript NM_000130.5 (MANE Select); coding-DNA position 4465, C replaced by T.
Protein change: p.Gln1489Ter; replaces glutamine 1489 with a stop codon.
Molecular consequence: nonsense.
Genome position (GRCh38, 1-based): chr1:169,540,625, G>A on the plus strand (C>T on the coding strand, the complement: F5 is on the minus strand). VCF-style: chr1-169540625-G-A. GRCh37 (hg19) VCF-style: chr1-169509863-G-A.
Other names: short protein forms Q1489*.
Identifiers: ClinVar variation 2745996 (VCV002745996.3), dbSNP rs2526387778, ClinGen allele CA343143561.
Genomic context (GRCh38, chr1:169,540,625, plus strand): 5'-GATTAAATTCCTTTGATAGAAAAGTATCATTGAGAGTAGGAGATGAAGGAGATGGCATCT[G>A]ACCAAGGTCTGGATAAGGAAAAGACTCATTAAATTCTTGAAGAAGCAATGACTGACTAGA-3'

ClinVar aggregate classification (germline): Pathogenic (1 of 4 stars; one submission).

Conditions:
Congenital factor V deficiency. Also called: OWREN PARAHEMOPHILIA; PARAHEMOPHILIA; Hereditary factor V deficiency disease; LABILE FACTOR DEFICIENCY. Identifiers: Orphanet 326, MedGen C0015499, MONDO:0009210, OMIM 227400.

Submission:

Labcorp Genetics (formerly Invitae), Labcorp
Classification: Pathogenic for Congenital factor V deficiency. Last evaluated: 2023-07-24. Review status: criteria provided, single submitter. Criteria: Invitae Variant Classification Sherloc (09022015). Collection method: clinical testing. Allele origin: germline.
Comment: This sequence change creates a premature translational stop signal (p.Gln1489*) in the F5 gene. It is expected to result in an absent or disrupted protein product. Loss-of-function variants in F5 are known to be pathogenic (PMID: 30924984). This variant is not present in population databases (gnomAD no frequency). This variant has not been reported in the literature in individuals affected with F5-related conditions. For these reasons, this variant has been classified as Pathogenic.

Literature cited by the submitters: PubMed 30924984.